The following is an entry in ClinVar:

NM_002516.4(NOVA2):c.241C>T (p.Arg81Trp)

Gene: NOVA2 (NOVA alternative splicing regulator 2; minus strand). Cytogenetic location: 19q13.32.
Variant type: single nucleotide variant.
Coding change: c.241C>T on transcript NM_002516.4 (MANE Select); coding-DNA position 241, C replaced by T.
Protein change: p.Arg81Trp; replaces arginine 81 with tryptophan.
Molecular consequence: missense variant.
Genome position (GRCh38, 1-based): chr19:45,953,935, G>A on the plus strand (C>T on the coding strand, the complement: NOVA2 is on the minus strand). VCF-style: chr19-45953935-G-A. GRCh37 (hg19) VCF-style: chr19-46457193-G-A.
Other names: short protein forms R81W.
Identifiers: ClinVar variation 2429190 (VCV002429190.3), dbSNP rs2513860727, ClinGen allele CA406441477.

ClinVar aggregate classification (germline): Uncertain significance (1 of 4 stars; one submission).

Submission:

Women's Health and Genetics/Laboratory Corporation of America, LabCorp
Classification: Uncertain significance. Last evaluated: 2023-01-19. Review status: criteria provided, single submitter. Criteria: LabCorp Variant Classification Summary - May 2015. Collection method: clinical testing. Allele origin: germline.
Comment: Variant summary: NOVA2 c.241C>T (p.Arg81Trp) results in a non-conservative amino acid change located in the K Homology domain (IPR004087) of the encoded protein sequence. Four of five in-silico tools predict a damaging effect of the variant on protein function. The variant was absent in 250814 control chromosomes (gnomAD). The available data on variant occurrences in the general population are insufficient to allow any conclusion about variant significance. To our knowledge, no occurrence of c.241C>T in individuals affected with Neurodevelopmental Disorder With Or Without Autistic Features And/or Structural Brain Abnormalities and no experimental evidence demonstrating its impact on protein function have been reported. No clinical diagnostic laboratories have submitted clinical-significance assessments for this variant to ClinVar after 2014. Based on the evidence outlined above, the variant was classified as uncertain significance.